The following is an entry in ClinVar:

NM_181523.3(PIK3R1):c.1157G>A (p.Arg386Gln)

Gene: PIK3R1 (phosphoinositide-3-kinase regulatory subunit 1; plus strand). Cytogenetic location: 5q13.1.
Variant type: single nucleotide variant.
Coding change: c.1157G>A on transcript NM_181523.3 (MANE Select); coding-DNA position 1157, G replaced by A.
Protein change: p.Arg386Gln; replaces arginine 386 with glutamine.
Molecular consequence: missense variant.
Genome position (GRCh38, 1-based): chr5:68,293,341, G>A. VCF-style: chr5-68293341-G-A. GRCh37 (hg19) VCF-style: chr5-67589169-G-A.
Other names: c.68G>A, p.Arg23Gln (NM_001242466.2); c.347G>A, p.Arg116Gln (NM_181504.4); c.257G>A, p.Arg86Gln (NM_181524.2); short protein forms R116Q, R386Q, R23Q, R86Q.
Identifiers: ClinVar variation 1361868 (VCV001361868.6), dbSNP rs766524768, ClinGen allele CA3290343.

ClinVar aggregate classification (germline): Uncertain significance (1 of 4 stars; one submission).

Conditions:
SHORT syndrome. Also called: LIPODYSTROPHY, PARTIAL, WITH RIEGER ANOMALY AND SHORT STATURE; PIK3R1-Related SHORT Syndrome; SHORT STATURE, HYPEREXTENSIBILITY, HERNIA, OCULAR DEPRESSION, RIEGER ANOMALY, AND TEETHING DELAY. Identifiers: Orphanet 3163, MedGen C0878684, MONDO:0010026, OMIM 269880.
Agammaglobulinemia 7, autosomal recessive (AGM7). Also called: AGAMMAGLOBULINEMIA, AUTOSOMAL RECESSIVE, DUE TO PIK3R1 DEFECT. Identifiers: MedGen C3554689, MONDO:0014083, OMIM 615214.
Immunodeficiency 36 with lymphoproliferation. Also called: Immunodeficiency 36; ACTIVATED PI3K-DELTA SYNDROME 2; Activated PI3K Delta Syndrome Type 2 (APDS2). Identifiers: Orphanet 397596, Orphanet 693681, MedGen C4014934, MONDO:0014453, OMIM 616005.

Allele frequency attached by ClinVar (database versions not stated): ExAC 0.00001; gnomAD 0.00001; gnomAD exomes 0.00001.
gnomAD v4.1: 7 of 1,612,386 alleles (0.00043%); highest among the groups gnomAD compares: Admixed American, 0.0033%; no homozygotes.

Submission:

Labcorp Genetics (formerly Invitae), Labcorp
Classification: Uncertain significance for SHORT syndrome; Immunodeficiency 36 with lymphoproliferation; Agammaglobulinemia 7, autosomal recessive. Last evaluated: 2023-08-17. Review status: criteria provided, single submitter. Criteria: Invitae Variant Classification Sherloc (09022015). Collection method: clinical testing. Allele origin: germline.
Comment: ClinVar contains an entry for this variant (Variation ID: 1361868). This variant has not been reported in the literature in individuals affected with PIK3R1-related conditions. The frequency data for this variant in the population databases is considered unreliable, as metrics indicate poor data quality at this position in the gnomAD database. This sequence change replaces arginine, which is basic and polar, with glutamine, which is neutral and polar, at codon 386 of the PIK3R1 protein (p.Arg386Gln). Advanced modeling of protein sequence and biophysical properties (such as structural, functional, and spatial information, amino acid conservation, physicochemical variation, residue mobility, and thermodynamic stability) performed at Invitae indicates that this missense variant is not expected to disrupt PIK3R1 protein function. In summary, the available evidence is currently insufficient to determine the role of this variant in disease. Therefore, it has been classified as a Variant of Uncertain Significance.